The following is an entry in ClinVar:

ClinVar aggregate classification (germline): Uncertain significance. Review status: criteria provided, multiple submitters, no conflicts (2 of 4 stars). 2 submissions from 2 submitters: Uncertain significance (2). Last evaluated 2026-01-27.

Allele frequency attached by ClinVar (database versions not stated): gnomAD exomes below 0.00001.
gnomAD v4.1: 2 of 1,613,758 alleles (0.00012%); highest among the groups gnomAD compares: Non-Finnish European, 0.00017%; no homozygotes.

Submissions (2):

Women's Health and Genetics/Laboratory Corporation of America, LabCorp
Classification: Uncertain significance. Last evaluated: 2026-01-27. Review status: criteria provided, single submitter. Criteria: LabCorp Variant Classification Summary - May 2015. Collection method: clinical testing. Allele origin: germline.
Comment: Variant summary: RIPK1 c.317C>T (p.Ala106Val) results in a non-conservative amino acid change in the encoded protein sequence. Algorithms developed to predict the effect of missense changes on protein structure and function are either unavailable or do not agree on the potential impact of this missense change. The variant was absent in 250858 control chromosomes. The available data on variant occurrences in the general population are insufficient to allow any conclusion about variant significance. To our knowledge, no occurrence of c.317C>T in individuals affected with RIPK1-related conditions and no experimental evidence demonstrating its impact on protein function have been reported. ClinVar contains an entry for this variant (Variation ID: 2908724). Based on the evidence outlined above, the variant was classified as uncertain significance.

Labcorp Genetics (formerly Invitae), Labcorp
Classification: Uncertain significance. Last evaluated: 2023-05-10. Review status: criteria provided, single submitter. Criteria: Invitae Variant Classification Sherloc (09022015). Collection method: clinical testing. Allele origin: germline.
Comment: In summary, the available evidence is currently insufficient to determine the role of this variant in disease. Therefore, it has been classified as a Variant of Uncertain Significance. An algorithm developed to predict the effect of missense changes on protein structure and function (PolyPhen-2) suggests that this variant is likely to be disruptive. This variant has not been reported in the literature in individuals affected with RIPK1-related conditions. This variant is not present in population databases (gnomAD no frequency). This sequence change replaces alanine, which is neutral and non-polar, with valine, which is neutral and non-polar, at codon 106 of the RIPK1 protein (p.Ala106Val).

NM_001354930.2(RIPK1):c.317C>T (p.Ala106Val)

Gene: RIPK1 (receptor interacting serine/threonine kinase 1; plus strand). Cytogenetic location: 6p25.2.
Variant type: single nucleotide variant.
Coding change: c.317C>T on transcript NM_001354930.2 (MANE Select); coding-DNA position 317, C replaced by T.
Protein change: p.Ala106Val; replaces alanine 106 with valine.
Molecular consequence: missense variant. On other transcripts: 5 prime UTR variant (4).
Genome position (GRCh38, 1-based): chr6:3,077,931, C>T. VCF-style: chr6-3077931-C-T. GRCh37 (hg19) VCF-style: chr6-3078165-C-T.
Other names: c.-287C>T (NM_001317061.3, NM_001354932.2, NM_001354933.2 and 1 more transcripts); c.317C>T, p.Ala106Val (NM_001354931.2, NM_003804.6); short protein forms A106V.
Identifiers: ClinVar variation 2908724 (VCV002908724.4), dbSNP rs1359961763, ClinGen allele CA362575223.